The following is an entry in ClinVar:

NM_172364.5(CACNA2D4):c.1346del (p.Asn449fs)

Gene: CACNA2D4 (calcium voltage-gated channel auxiliary subunit alpha2delta 4; minus strand). Cytogenetic location: 12p13.33.
Variant type: Deletion.
Coding change: c.1346del on transcript NM_172364.5 (MANE Select); coding-DNA position 1346, one base deleted (A; older notation c.1346delA).
Protein change: p.Asn449fs; shifts the reading frame from asparagine 449.
Molecular consequence: frameshift variant.
Genome position (GRCh38, 1-based): chr12:1,884,248, T deleted on the plus strand (A on the coding strand, the reverse complement: CACNA2D4 is on the minus strand); the first of 2 consecutive T bases (chr12:1,884,248-1,884,249); deleting either gives the same sequence. VCF-style (leftmost placement, unchanged base first): chr12-1884247-GT-G. GRCh37 (hg19) VCF-style: chr12-1993413-GT-G.
Other names: short protein forms N449fs.
Identifiers: ClinVar variation 4883377 (VCV004883377.2).
Genomic context (GRCh38, chr12:1,884,247, plus strand): 5'-CCCTGTCTCCTGTGCTCAGGTGCAGGTGGGAAGGTACCTGCTGGCCCGGCACTCACCTTT[GT>G]TGTTGCATGCAATCCACTTCATGCGGTCAGCAAAAGACACTTCTCTCCCAATGAGGTAAG-3'

ClinVar aggregate classification (germline): Likely pathogenic (1 of 4 stars; one submission).

Submission:

Dasa
Classification: Likely pathogenic. Last evaluated: 2026-03-25. Review status: criteria provided, single submitter. Criteria: DASA Assertion Criteria. Collection method: clinical testing. Allele origin: germline.
Comment: NM_172364.5(CACNA2D4):c.1346del (p.Asn449Thrfs*18) is a frameshift variant in CACNA2D4 predicted to alter the reading frame and introduce a premature termination codon and is predicted to result in an absent or altered protein product. Loss of function is an established disease mechanism for CACNA2D4-associated disorders. Also, this variant is rare in population databases. Based on the currently available evidence, this variant is classified as likely pathogenic.